The following is an entry in ClinVar:

ClinVar aggregate classification (germline): Likely benign (0 of 4 stars; one submission).

Conditions:
DHCR7-related disorder. Also called: DHCR7-related condition.

Submission:

PreventionGenetics, part of Exact Sciences
Classification: Likely benign for DHCR7-related condition. Last evaluated: 2024-07-24. Review status: no assertion criteria provided. Collection method: clinical testing. Allele origin: germline.
Comment: This variant is classified as likely benign based on ACMG/AMP sequence variant interpretation guidelines (Richards et al. 2015 PMID: 25741868, with internal and published modifications).

NM_001360.3(DHCR7):c.432G>A (p.Gln144=)

Gene: DHCR7 (7-dehydrocholesterol reductase; minus strand). Cytogenetic location: 11q13.4.
Variant type: single nucleotide variant.
Coding change: c.432G>A on transcript NM_001360.3 (MANE Select); coding-DNA position 432, G replaced by A.
Protein change: p.Gln144=; no amino-acid change (glutamine 144 retained).
Molecular consequence: synonymous variant.
Genome position (GRCh38, 1-based): chr11:71,441,421, C>T on the plus strand (G>A on the coding strand, the complement: DHCR7 is on the minus strand). VCF-style: chr11-71441421-C-T. GRCh37 (hg19) VCF-style: chr11-71152467-C-T.
Other names: c.432G>A, p.Gln144= (NM_001163817.2, NM_001425107.1, NM_001425109.1 and 7 more transcripts); c.468G>A, p.Gln156= (NM_001425108.1); c.372G>A, p.Gln124= (NM_001425113.1); c.336G>A, p.Gln112= (NM_001425114.1, NM_001425116.1); c.258G>A, p.Gln86= (NM_001425117.1).
Identifiers: ClinVar variation 3345191 (VCV003345191.1).